The following is an entry in ClinVar:

NM_002641.4(PIGA):c.269A>G (p.Tyr90Cys)

Gene: PIGA (phosphatidylinositol glycan anchor biosynthesis class A; minus strand). Cytogenetic location: Xp22.2.
Variant type: single nucleotide variant.
Coding change: c.269A>G on transcript NM_002641.4 (MANE Select); coding-DNA position 269, A replaced by G.
Protein change: p.Tyr90Cys; replaces tyrosine 90 with cysteine.
Molecular consequence: missense variant. On other transcripts: non-coding transcript variant (1), intron variant (1).
Genome position (GRCh38, 1-based): chrX:15,331,662, T>C on the plus strand (A>G on the coding strand, the complement: PIGA is on the minus strand). VCF-style: chrX-15331662-T-C. GRCh37 (hg19) VCF-style: chrX-15349784-T-C.
Other names: c.13+3839A>G (NM_020473.3); short protein forms Y90C.
Identifiers: ClinVar variation 1029613 (VCV001029613.1), dbSNP rs1445335859, ClinGen allele CA412340830.

ClinVar aggregate classification (germline): Uncertain significance (1 of 4 stars; one submission).

Conditions:
Multiple congenital anomalies-hypotonia-seizures syndrome 2 (MCAHS2). Also called: EPILEPTIC ENCEPHALOPATHY, EARLY INFANTILE, 20; GLYCOSYLPHOSPHATIDYLINOSITOL BIOSYNTHESIS DEFECT 4. Identifiers: Orphanet 300496, MedGen C3275508, MONDO:0010466, OMIM 300868.

Allele frequency attached by ClinVar (database versions not stated): gnomAD exomes below 0.00001; TOPMed below 0.00001; gnomAD 0.00001.

Submission:

Baylor Genetics
Classification: Uncertain significance for Multiple congenital anomalies-hypotonia-seizures syndrome 2. Last evaluated: 2019-11-15. Review status: criteria provided, single submitter. Criteria: ACMG Guidelines, 2015. Collection method: clinical testing. Allele origin: unknown. Affected: yes.
Comment: This variant was determined to be of uncertain significance according to ACMG Guidelines, 2015 [PMID:25741868].